The following is an entry in ClinVar:

NM_183357.3(ADCY5):c.1496C>T (p.Ala499Val)

Gene: ADCY5 (adenylate cyclase 5; minus strand). Cytogenetic location: 3q21.1.
Variant type: single nucleotide variant.
Coding change: c.1496C>T on transcript NM_183357.3 (MANE Select); coding-DNA position 1496, C replaced by T.
Protein change: p.Ala499Val; replaces alanine 499 with valine.
Molecular consequence: missense variant.
Genome position (GRCh38, 1-based): chr3:123,332,586, G>A on the plus strand (C>T on the coding strand, the complement: ADCY5 is on the minus strand). VCF-style: chr3-123332586-G-A. GRCh37 (hg19) VCF-style: chr3-123051433-G-A.
Other names: c.446C>T, p.Ala149Val (NM_001199642.1); c.1496C>T, p.Ala499Val (NM_001378259.1); short protein forms A499V, A149V.
Identifiers: ClinVar variation 4056035 (VCV004056035.1).

ClinVar aggregate classification (germline): Uncertain significance (1 of 4 stars; one submission).

Submission:

GeneDx
Classification: Uncertain significance. Last evaluated: 2025-01-05. Review status: criteria provided, single submitter. Criteria: GeneDx Variant Classification Process June 2021. Collection method: clinical testing. Allele origin: germline. Affected: yes.
Comment: Not observed at significant frequency in large population cohorts (gnomAD); In silico analysis supports that this missense variant has a deleterious effect on protein structure/function; Has not been previously published as pathogenic or benign to our knowledge